The following is an entry in ClinVar:

NM_001365951.3(KIF1B):c.1319C>T (p.Thr440Ile)

Gene: KIF1B (kinesin family member 1B; plus strand). Cytogenetic location: 1p36.22.
Variant type: single nucleotide variant.
Coding change: c.1319C>T on transcript NM_001365951.3 (MANE Select); coding-DNA position 1319, C replaced by T.
Protein change: p.Thr440Ile; replaces threonine 440 with isoleucine.
Molecular consequence: missense variant.
Genome position (GRCh38, 1-based): chr1:10,282,418, C>T. VCF-style: chr1-10282418-C-T. GRCh37 (hg19) VCF-style: chr1-10342476-C-T.
Other names: c.1319C>T, p.Thr440Ile (NM_001365952.1); c.1181C>T, p.Thr394Ile (NM_001365953.1, NM_015074.3, NM_183416.4); short protein forms T394I, T440I.
Identifiers: ClinVar variation 1742305 (VCV001742305.2), dbSNP rs1649455397, ClinGen allele CA338336189.

ClinVar aggregate classification (germline): Uncertain significance (1 of 4 stars; one submission).

Submission:

Ambry Genetics
Classification: Uncertain significance. Last evaluated: 2022-01-12. Review status: criteria provided, single submitter. Criteria: Ambry Variant Classification Scheme 2023. Collection method: clinical testing. Allele origin: germline.
Comment: The p.T394I variant (also known as c.1181C>T), located in coding exon 12 of the KIF1B gene, results from a C to T substitution at nucleotide position 1181. The threonine at codon 394 is replaced by isoleucine, an amino acid with similar properties. This amino acid position is conserved. In addition, the in silico prediction for this alteration is inconclusive. Since supporting evidence is limited at this time, the clinical significance of this alteration remains unclear.